The following is an entry in ClinVar:

NM_000093.5(COL5A1):c.4282C>G (p.Gln1428Glu)

Gene: COL5A1 (collagen type V alpha 1 chain; plus strand). Cytogenetic location: 9q34.3.
Variant type: single nucleotide variant.
Coding change: c.4282C>G on transcript NM_000093.5 (MANE Select); coding-DNA position 4282, C replaced by G.
Protein change: p.Gln1428Glu; replaces glutamine 1428 with glutamic acid.
Molecular consequence: missense variant.
Genome position (GRCh38, 1-based): chr9:134,818,707, C>G. VCF-style: chr9-134818707-C-G. GRCh37 (hg19) VCF-style: chr9-137710553-C-G.
Other names: c.4282C>G, p.Gln1428Glu (NM_001278074.1); short protein forms Q1428E.
Identifiers: ClinVar variation 1963055 (VCV001963055.5), dbSNP rs863223454, ClinGen allele CA375457228.

ClinVar aggregate classification (germline): Uncertain significance (1 of 4 stars; one submission).

Conditions:
Ehlers-Danlos syndrome, classic type, 1 (EDSCL1). Also called: EHLERS-DANLOS SYNDROME, GRAVIS TYPE; EHLERS-DANLOS SYNDROME, SEVERE CLASSIC TYPE; Ehlers-Danlos syndrome, type 1; EDS I; Ehlers-Danlos Syndrome, Classic Type, COL5A1-Related. Identifiers: MedGen C0268335, MONDO:0019567, OMIM 130000.

Allele frequency attached by ClinVar (database versions not stated): gnomAD exomes 0.00001.
gnomAD v4.1: 4 of 1,610,930 alleles (0.00025%); highest among the groups gnomAD compares: Non-Finnish European, 0.00034%; no homozygotes.

Submission:

Labcorp Genetics (formerly Invitae), Labcorp
Classification: Uncertain significance for Ehlers-Danlos syndrome, classic type, 1. Last evaluated: 2022-09-09. Review status: criteria provided, single submitter. Criteria: Invitae Variant Classification Sherloc (09022015). Collection method: clinical testing. Allele origin: germline.
Comment: In summary, the available evidence is currently insufficient to determine the role of this variant in disease. Therefore, it has been classified as a Variant of Uncertain Significance. Advanced modeling of protein sequence and biophysical properties (such as structural, functional, and spatial information, amino acid conservation, physicochemical variation, residue mobility, and thermodynamic stability) has been performed at Invitae for this missense variant, however the output from this modeling did not meet the statistical confidence thresholds required to predict the impact of this variant on COL5A1 protein function. This variant has not been reported in the literature in individuals affected with COL5A1-related conditions. This variant is not present in population databases (gnomAD no frequency). This sequence change replaces glutamine, which is neutral and polar, with glutamic acid, which is acidic and polar, at codon 1428 of the COL5A1 protein (p.Gln1428Glu).